The following is an entry in ClinVar:

NM_012073.5(CCT5):c.1429G>C (p.Val477Leu)

Gene: CCT5 (chaperonin containing TCP1 subunit 5; plus strand). Cytogenetic location: 5p15.2.
Variant type: single nucleotide variant.
Coding change: c.1429G>C on transcript NM_012073.5 (MANE Select); coding-DNA position 1429, G replaced by C.
Protein change: p.Val477Leu; replaces valine 477 with leucine.
Molecular consequence: missense variant.
Genome position (GRCh38, 1-based): chr5:10,263,245, G>C. VCF-style: chr5-10263245-G-C. GRCh37 (hg19) VCF-style: chr5-10263357-G-C.
Other names: c.1366G>C, p.Val456Leu (NM_001306153.1); c.1264G>C, p.Val422Leu (NM_001306154.2); c.1150G>C, p.Val384Leu (NM_001306155.2); c.1315G>C, p.Val439Leu (NM_001306156.2); short protein forms V384L, V422L, V439L, V456L, V477L.
Identifiers: ClinVar variation 3606046 (VCV003606046.2).
Genomic context (GRCh38, chr5:10,263,245, plus strand): 5'-GTCATCCCCATGGCCCTCTCTGAAAACAGTGGCATGAATCCCATCCAGACTATGACCGAA[G>C]TCCGAGCCAGACAGGTGAAGGAGATGAACCCTGCTCTTGGCATCGACTGTTTGCACAAGG-3'
Protein context (NP_036205.1, residues 467-487): GMNPIQTMTE[Val477Leu]RARQVKEMNP

ClinVar aggregate classification (germline): Uncertain significance (1 of 4 stars; one submission).

Conditions:
Hereditary sensory and autonomic neuropathy with spastic paraplegia (HSNSP). Identifiers: Orphanet 139578, MedGen C1850395, MONDO:0009748, OMIM 256840.

gnomAD v4.1: 1 of 1,614,042 alleles (0.000062%); highest among the groups gnomAD compares: Non-Finnish European, 0.000085%; no homozygotes.

Submission:

Labcorp Genetics (formerly Invitae), Labcorp
Classification: Uncertain significance for Hereditary sensory and autonomic neuropathy with spastic paraplegia. Last evaluated: 2024-02-07. Review status: criteria provided, single submitter. Criteria: Invitae Variant Classification Sherloc (09022015). Collection method: clinical testing. Allele origin: germline.
Comment: This sequence change replaces valine, which is neutral and non-polar, with leucine, which is neutral and non-polar, at codon 477 of the CCT5 protein (p.Val477Leu). This variant is not present in population databases (gnomAD no frequency). This variant has not been reported in the literature in individuals affected with CCT5-related conditions. Advanced modeling of protein sequence and biophysical properties (such as structural, functional, and spatial information, amino acid conservation, physicochemical variation, residue mobility, and thermodynamic stability) performed at Invitae indicates that this missense variant is not expected to disrupt CCT5 protein function with a negative predictive value of 80%. In summary, the available evidence is currently insufficient to determine the role of this variant in disease. Therefore, it has been classified as a Variant of Uncertain Significance.